The following is an entry in ClinVar:

ClinVar aggregate classification (germline): Uncertain significance (1 of 4 stars; one submission).

Conditions:
PPP1CB-related disorder. Also called: PPP1CB-related condition.

Submission:

PreventionGenetics, part of Exact Sciences
Classification: Uncertain significance for PPP1CB-related condition. Last evaluated: 2025-11-18. Review status: criteria provided, single submitter. Criteria: ACMG Guidelines, 2015. Collection method: clinical testing. Allele origin: germline.
Comment: The PPP1CB c.77T>C variant is predicted to result in the amino acid substitution p.Ile26Thr. To our knowledge, this variant has not been reported in the literature or in a large population database (gnomAD), indicating this variant is rare. At this time, the clinical significance of this variant is uncertain due to the absence of conclusive functional and genetic evidence.

NM_002709.3(PPP1CB):c.77T>C (p.Ile26Thr)

Gene: PPP1CB (protein phosphatase 1 catalytic subunit beta; plus strand). Cytogenetic location: 2p23.2.
Variant type: single nucleotide variant.
Coding change: c.77T>C on transcript NM_002709.3 (MANE Select); coding-DNA position 77, T replaced by C.
Protein change: p.Ile26Thr; replaces isoleucine 26 with threonine.
Molecular consequence: missense variant.
Genome position (GRCh38, 1-based): chr2:28,776,875, T>C. VCF-style: chr2-28776875-T-C. GRCh37 (hg19) VCF-style: chr2-28999741-T-C.
Other names: c.77T>C, p.Ile26Thr (NM_206876.2); short protein forms I26T.
Identifiers: ClinVar variation 4993758 (VCV004993758.1).